The following is an entry in ClinVar:

NM_001270.4(CHD1):c.1434C>T (p.Gly478=)

Gene: CHD1 (chromodomain helicase DNA binding protein 1; minus strand). Cytogenetic location: 5q15.
Variant type: single nucleotide variant.
Coding change: c.1434C>T on transcript NM_001270.4 (MANE Select); coding-DNA position 1434, C replaced by T.
Protein change: p.Gly478=; no amino-acid change (glycine 478 retained).
Molecular consequence: synonymous variant. On other transcripts: non-coding transcript variant (2).
Genome position (GRCh38, 1-based): chr5:98,897,252, G>A on the plus strand (C>T on the coding strand, the complement: CHD1 is on the minus strand). VCF-style: chr5-98897252-G-A. GRCh37 (hg19) VCF-style: chr5-98232956-G-A.
Other names: c.1434C>T, p.Gly478= (NM_001364113.3, NM_001376194.2).
Identifiers: ClinVar variation 4086032 (VCV004086032.8).
Genomic context (GRCh38, chr5:98,897,252, plus strand): 5'-CTTGCACCAAGAATGAGCAAGCCAATTTAAACCATTCAGTTGATAATCTCTTAATTCTAA[G>A]CCCTCATGTCCTCCAATATAGGATGGCTGCTTCTTCAGGGCTACAAACCTTGGCCTTTGT-3'
Protein context (NP_001261.2, residues 468-488): KQPSYIGGHE[Gly478=]LELRDYQLNG

ClinVar aggregate classification (germline): Likely benign (1 of 4 stars; one submission).

gnomAD v4.1: 190 of 1,612,514 alleles (0.012%); highest among the groups gnomAD compares: Non-Finnish European, 0.013%; no homozygotes.

Submission:

CeGaT Center for Human Genetics Tuebingen
Classification: Likely benign. Last evaluated: 2025-07-01. Review status: criteria provided, single submitter. Criteria: CeGaT Center For Human Genetics Tuebingen Variant Classification Criteria Version 2. Collection method: clinical testing. Allele origin: germline. Affected: yes. Observed: 1 variant allele.
Comment: CHD1: BP4, BP7